The following is an entry in ClinVar:

ClinVar aggregate classification (germline): Likely benign. Review status: criteria provided, single submitter (1 of 4 stars). 2 submissions from 2 submitters: Likely benign (1). 1 of the submissions does not count toward it. Last evaluated 2024-10-24.

Conditions:
ROR1-related disorder. Also called: ROR1-related condition.

Allele frequency attached by ClinVar (database versions not stated): 1000 Genomes Project 0.00020; gnomAD 0.00027; ExAC 0.00019; 1000 Genomes Project 30x 0.00016; TOPMed 0.00021; ESP Exome Variant Server 0.00031.
gnomAD v4.1: 222 of 1,614,140 alleles (0.014%); highest among the groups gnomAD compares: African/African-American, 0.036%; no homozygotes.

Submissions (2):

Labcorp Genetics (formerly Invitae), Labcorp
Classification: Likely benign. Last evaluated: 2024-10-24. Review status: criteria provided, single submitter. Criteria: Invitae Variant Classification Sherloc (09022015). Collection method: clinical testing. Allele origin: germline.

PreventionGenetics, part of Exact Sciences
Classification: Likely benign for ROR1-related condition. Last evaluated: 2019-12-05. Review status: no assertion criteria provided. Collection method: clinical testing. Allele origin: germline. Not counted in ClinVar's aggregate classification.
Comment: This variant is classified as likely benign based on ACMG/AMP sequence variant interpretation guidelines (Richards et al. 2015 PMID: 25741868, with internal and published modifications).

NM_005012.4(ROR1):c.2490G>A (p.Ala830=)

Gene: ROR1 (receptor tyrosine kinase like orphan receptor 1; plus strand). Cytogenetic location: 1p31.3.
Variant type: single nucleotide variant.
Coding change: c.2490G>A on transcript NM_005012.4 (MANE Select); coding-DNA position 2490, G replaced by A.
Protein change: p.Ala830=; no amino-acid change (alanine 830 retained).
Molecular consequence: synonymous variant.
Genome position (GRCh38, 1-based): chr1:64,178,531, G>A. VCF-style: chr1-64178531-G-A. GRCh37 (hg19) VCF-style: chr1-64644214-G-A.
Other names: c.2490G>A (NM_005012.3).
Identifiers: ClinVar variation 2057805 (VCV002057805.6), dbSNP rs146764088, ClinGen allele CA890430.
Genomic context (GRCh38, chr1:64,178,531, plus strand): 5'-ACCTCAGAACCAGCGATTCATTCCCATCAATGGATACCCAATACCTCCTGGATATGCAGC[G>A]TTTCCAGCTGCCCACTACCAGCCAACAGGTCCTCCCAGAGTGATTCAGCACTGCCCACCT-3'
Protein context (NP_005003.2, residues 820-840): NGYPIPPGYA[Ala830=]FPAAHYQPTG